The following is an entry in ClinVar:

NM_001184.4(ATR):c.4306A>G (p.Asn1436Asp)

Gene: ATR (ATR checkpoint kinase; minus strand). Cytogenetic location: 3q23.
Variant type: single nucleotide variant.
Coding change: c.4306A>G on transcript NM_001184.4 (MANE Select); coding-DNA position 4306, A replaced by G.
Protein change: p.Asn1436Asp; replaces asparagine 1436 with aspartic acid.
Molecular consequence: missense variant.
Genome position (GRCh38, 1-based): chr3:142,519,745, T>C on the plus strand (A>G on the coding strand, the complement: ATR is on the minus strand). VCF-style: chr3-142519745-T-C. GRCh37 (hg19) VCF-style: chr3-142238587-T-C.
Other names: c.4114A>G, p.Asn1372Asp (NM_001354579.2); short protein forms N1436D, N1372D.
Identifiers: ClinVar variation 157984 (VCV000157984.12), dbSNP rs587783328, ClinGen allele CA345980.
Genomic context (GRCh38, chr3:142,519,745, plus strand): 5'-GTTCTAGTATTTCCCGAACATGCTCAGGAAATCTCCTCCACAATTGGTGACCTGGGCCGT[T>C]GGTCTCCATCTCTCTACAGTCATAAATAGAAAGCAACTCCTACAAATACATATTTTACAT-3'
Protein context (NP_001175.2, residues 1426-1446): SIYDCREMET[Asn1436Asp]GPGHQLWRRF

ClinVar aggregate classification (germline): Conflicting classifications of pathogenicity. Review status: criteria provided, conflicting classifications (1 of 4 stars). 3 submissions from 3 submitters: Uncertain significance (2); Likely benign (1). Last evaluated 2024-04-29.

Conditions:
Inborn genetic diseases. Identifiers: MedGen C0950123, MeSH D030342.
Seckel syndrome 1 (SCKL1). Also called: MICROCEPHALIC PRIMORDIAL DWARFISM I. Identifiers: Orphanet 808, MedGen C4551474, MONDO:0008869, OMIM 210600.

Allele frequency attached by ClinVar (database versions not stated): gnomAD 0.00001.
gnomAD v4.1: 1 of 1,614,144 alleles (0.000062%); no homozygotes.

Submissions (3):

Labcorp Genetics (formerly Invitae), Labcorp
Classification: Uncertain significance. Last evaluated: 2024-04-29. Review status: criteria provided, single submitter. Criteria: Invitae Variant Classification Sherloc (09022015). Collection method: clinical testing. Allele origin: germline.
Comment: This sequence change replaces asparagine, which is neutral and polar, with aspartic acid, which is acidic and polar, at codon 1436 of the ATR protein (p.Asn1436Asp). This variant is not present in population databases (gnomAD no frequency). This variant has not been reported in the literature in individuals affected with ATR-related conditions. ClinVar contains an entry for this variant (Variation ID: 157984). Algorithms developed to predict the effect of missense changes on protein structure and function output the following: SIFT: "Not Available"; PolyPhen-2: "Benign"; Align-GVGD: "Not Available". The aspartic acid amino acid residue is found in multiple mammalian species, which suggests that this missense change does not adversely affect protein function. In summary, the available evidence is currently insufficient to determine the role of this variant in disease. Therefore, it has been classified as a Variant of Uncertain Significance.

Ambry Genetics
Classification: Likely benign for Inborn genetic diseases. Last evaluated: 2022-04-22. Review status: criteria provided, single submitter. Criteria: Ambry Variant Classification Scheme 2023. Collection method: clinical testing. Allele origin: germline.

Genetic Services Laboratory, University of Chicago
Classification: Uncertain significance for Seckel syndrome 1. Last evaluated: 2013-02-08. Review status: criteria provided, single submitter. Criteria: ACMG Guidelines, 2007. Collection method: clinical testing. Allele origin: germline. Inheritance: Autosomal recessive inheritance.